The following is an entry in ClinVar:

NM_004360.5(CDH1):c.1696A>G (p.Ile566Val)

Gene: CDH1 (cadherin 1; plus strand). Cytogenetic location: 16q22.1.
Variant type: single nucleotide variant.
Coding change: c.1696A>G on transcript NM_004360.5 (MANE Select); coding-DNA position 1696, A replaced by G.
Protein change: p.Ile566Val; replaces isoleucine 566 with valine.
Molecular consequence: missense variant. On other transcripts: intron variant (1).
Genome position (GRCh38, 1-based): chr16:68,819,410, A>G. VCF-style: chr16-68819410-A-G. GRCh37 (hg19) VCF-style: chr16-68853313-A-G.
Other names: c.1696A>G (LRG_301t1); c.1513A>G, p.Ile505Val (NM_001317184.2); c.148A>G, p.Ile50Val (NM_001317185.2); c.-254-2591A>G (NM_001317186.2); short protein forms I566V, I505V, I50V.
Identifiers: ClinVar variation 575212 (VCV000575212.10), dbSNP rs775941240, ClinGen allele CA396465408.

ClinVar aggregate classification (germline): Conflicting classifications of pathogenicity. Review status: criteria provided, conflicting classifications (1 of 4 stars). 2 submissions from 2 submitters: Uncertain significance (1); Likely benign (1). Last evaluated 2025-09-17.

Conditions:
Hereditary cancer-predisposing syndrome. Also called: Hereditary neoplastic syndrome; Tumor predisposition; Hereditary Cancer Syndrome; Neoplastic Syndromes, Hereditary. Identifiers: Orphanet 140162, MedGen C0027672, MeSH D009386, MONDO:0015356.
Hereditary diffuse gastric adenocarcinoma (HDGC). Also called: DIFFUSE GASTRIC AND LOBULAR BREAST CANCER SYNDROME. Identifiers: Orphanet 26106, MedGen C1708349, MONDO:0007648, OMIM 137215.

Submissions (2):

Ambry Genetics
Classification: Likely benign for Hereditary cancer-predisposing syndrome. Last evaluated: 2025-09-17. Review status: criteria provided, single submitter. Criteria: Ambry Variant Classification Scheme 2023. Collection method: clinical testing. Allele origin: germline.

Labcorp Genetics (formerly Invitae), Labcorp
Classification: Uncertain significance for Hereditary diffuse gastric adenocarcinoma. Last evaluated: 2018-01-21. Review status: criteria provided, single submitter. Criteria: Invitae Variant Classification Sherloc (09022015). Collection method: clinical testing. Allele origin: germline.
Comment: In summary, the available evidence is currently insufficient to determine the role of this variant in disease. Therefore, it has been classified as a Variant of Uncertain Significance. Algorithms developed to predict the effect of missense changes on protein structure and function output the following: SIFT: "Tolerated"; PolyPhen-2: "Benign"; Align-GVGD: "Class C0". The valine amino acid residue is found in multiple mammalian species, suggesting that this missense change does not adversely affect protein function. These predictions have not been confirmed by published functional studies and their clinical significance is uncertain. This variant has not been reported in the literature in individuals with CDH1-related disease. This variant is not present in population databases (ExAC no frequency). This sequence change replaces isoleucine with valine at codon 566 of the CDH1 protein (p.Ile566Val). The isoleucine residue is moderately conserved and there is a small physicochemical difference between isoleucine and valine.